The following is an entry in ClinVar:

NM_004629.2(FANCG):c.1450T>C (p.Phe484Leu)

Gene: FANCG (FA complementation group G; minus strand). Cytogenetic location: 9p13.3.
Variant type: single nucleotide variant.
Coding change: c.1450T>C on transcript NM_004629.2 (MANE Select); coding-DNA position 1450, T replaced by C.
Protein change: p.Phe484Leu; replaces phenylalanine 484 with leucine.
Molecular consequence: missense variant.
Genome position (GRCh38, 1-based): chr9:35,075,309, A>G on the plus strand (T>C on the coding strand, the complement: FANCG is on the minus strand). VCF-style: chr9-35075309-A-G. GRCh37 (hg19) VCF-style: chr9-35075306-A-G.
Other names: short protein forms F484L.
Identifiers: ClinVar variation 4254474 (VCV004254474.1).
Genomic context (GRCh38, chr9:35,075,309, plus strand): 5'-GGTAAGAGGAAAACTGAAAGTTTAGATCACCTTGTTCTTTTTCCTCAGGTGTGGCCCGGA[A>G]GAGCAGCTCGAGGCACCTGAAGTAGGACACAGAACAGGGGTGAAGAGGAATCAATTTCAG-3'
Protein context (NP_004620.1, residues 474-494): SEFSRCLELL[Phe484Leu]RATPEEKEQG

ClinVar aggregate classification (germline): Uncertain significance (1 of 4 stars; one submission).

Conditions:
Inborn genetic diseases. Identifiers: MedGen C0950123, MeSH D030342.

Submission:

Ambry Genetics
Classification: Uncertain significance for Inborn genetic diseases. Last evaluated: 2025-08-11. Review status: criteria provided, single submitter. Criteria: Ambry Variant Classification Scheme 2023. Collection method: clinical testing. Allele origin: germline.
Comment: The p.F484L variant (also known as c.1450T>C), located in coding exon 11 of the FANCG gene, results from a T to C substitution at nucleotide position 1450. The phenylalanine at codon 484 is replaced by leucine, an amino acid with highly similar properties. This amino acid position is conserved. In addition, this alteration is predicted to be tolerated by in silico analysis. Based on the available evidence, the clinical significance of this variant remains unclear.